The following is an entry in ClinVar:

ClinVar aggregate classification (germline): Pathogenic/Likely pathogenic. Review status: criteria provided, multiple submitters, no conflicts (2 of 4 stars). 2 submissions from 2 submitters: Pathogenic (1); Likely pathogenic (1). Last evaluated 2025-07-22.

Conditions:
Polycystic kidney disease, adult type (PKD1). Also called: Polycystic Kidney, Autosomal Dominant; POLYCYSTIC KIDNEY DISEASE, ADULT, TYPE I; Polycystic Kidney Disease 1, Autosomal Dominant; Polycystic kidney disease 1; Polycystic kidney disease 1, severe; POLYCYSTIC KIDNEY DISEASE 1 WITH OR WITHOUT POLYCYSTIC LIVER DISEASE. Identifiers: MedGen C3149841, MONDO:0008263, OMIM 173900.
PKD1-related disorder. Also called: PKD1-related condition.

Submissions (2):

Victorian Clinical Genetics Services, Murdoch Childrens Research Institute
Classification: Pathogenic for Polycystic kidney disease, adult type. Last evaluated: 2025-07-22. Review status: criteria provided, single submitter. Criteria: ACMG Guidelines, 2015. Collection method: clinical testing. Allele origin: germline. Affected: yes.
Comment: This variant is classified as Pathogenic. Evidence in support of pathogenic classification: Variant is predicted to cause nonsense-mediated decay (NMD) and loss of protein (premature termination codon is located at least 54 nucleotides upstream of the final exon-exon junction); Variant is absent from gnomAD (v2, v3 and v4); Other NMD-predicted variant(s) comparable to the one identified in this case have very strong previous evidence for pathogenicity (ClinVar). Additional information: This variant is heterozygous; This gene is associated with autosomal dominant disease. Polycystic kidney disease 1 (MIM#173900) is predominantly caused by monoallelic variants, with rare reports of biallelic variants causing disease (OMIM); This variant has no previous evidence of pathogenicity; No published evidence of segregation with disease has been identified for this variant; No published functional evidence has been identified for this variant; Loss of function is a known mechanism of disease in this gene and is associated with polycystic kidney disease 1 (MIM#173900); Inheritance information for this variant is not currently available in this individual.

Blueprint Genetics
Classification: Likely pathogenic for PKD1-related disorders. Last evaluated: 2023-02-13. Review status: criteria provided, single submitter. Criteria: ACMG Guidelines, 2015. Collection method: clinical testing. Allele origin: germline. Affected: yes. Observed: 1 variant allele.

NM_001009944.3(PKD1):c.1499dup (p.His501fs)

Gene: PKD1 (polycystin 1, transient receptor potential channel interacting; minus strand). Cytogenetic location: 16p13.3.
Variant type: Duplication.
Coding change: c.1499dup on transcript NM_001009944.3 (MANE Select); coding-DNA position 1499, one base duplicated (C; older notation c.1499dupC).
Protein change: p.His501fs; shifts the reading frame from histidine 501.
Molecular consequence: frameshift variant.
Genome position (GRCh38, 1-based): chr16:2,116,940, G duplicated on the plus strand (C on the coding strand, the reverse complement: PKD1 is on the minus strand); the first of 2 consecutive G bases (chr16:2,116,940-2,116,941); duplicating either gives the same sequence. VCF-style (leftmost placement, unchanged base first): chr16-2116939-T-TG. GRCh37 (hg19) VCF-style: chr16-2166940-T-TG.
Other names: c.1499dup, p.His501fs (NM_000296.4); short protein forms H501fs.
Identifiers: ClinVar variation 4531588 (VCV004531588.2).